The following is an entry in ClinVar:

ClinVar aggregate classification (germline): Uncertain significance (1 of 4 stars; one submission).

Conditions:
Bardet-Biedl syndrome 16 (BBS16). Identifiers: Orphanet 110, MedGen C3889474, MONDO:0014444, OMIM 615993.
Senior-Loken syndrome 7 (SLSN7). Identifiers: Orphanet 3156, MedGen C3150877, MONDO:0013326, OMIM 613615.

Submission:

Labcorp Genetics (formerly Invitae), Labcorp
Classification: Uncertain significance for Bardet-Biedl syndrome 16; Senior-Loken syndrome 7. Last evaluated: 2022-08-16. Review status: criteria provided, single submitter. Criteria: Invitae Variant Classification Sherloc (09022015). Collection method: clinical testing. Allele origin: germline.
Comment: In summary, the available evidence is currently insufficient to determine the role of this variant in disease. Therefore, it has been classified as a Variant of Uncertain Significance. Algorithms developed to predict the effect of missense changes on protein structure and function are either unavailable or do not agree on the potential impact of this missense change (SIFT: "Tolerated"; PolyPhen-2: "Probably Damaging"; Align-GVGD: "Class C0"). This variant has not been reported in the literature in individuals affected with SDCCAG8-related conditions. This variant is not present in population databases (gnomAD no frequency). This sequence change replaces leucine, which is neutral and non-polar, with valine, which is neutral and non-polar, at codon 436 of the SDCCAG8 protein (p.Leu436Val).

NM_006642.5(SDCCAG8):c.1306C>G (p.Leu436Val)

Gene: SDCCAG8 (SHH signaling and ciliogenesis regulator SDCCAG8; plus strand). Cytogenetic location: 1q43.
Variant type: single nucleotide variant.
Coding change: c.1306C>G on transcript NM_006642.5 (MANE Select); coding-DNA position 1306, C replaced by G.
Protein change: p.Leu436Val; replaces leucine 436 with valine.
Molecular consequence: missense variant.
Genome position (GRCh38, 1-based): chr1:243,341,123, C>G. VCF-style: chr1-243341123-C-G. GRCh37 (hg19) VCF-style: chr1-243504425-C-G.
Other names: c.403C>G, p.Leu135Val (NM_001350246.2, NM_001350247.2, NM_001350251.2); c.1402C>G, p.Leu468Val (NM_001350248.2); c.1012C>G, p.Leu338Val (NM_001350249.2); short protein forms L135V, L436V, L468V, L338V.
Identifiers: ClinVar variation 2051495 (VCV002051495.4), dbSNP rs2528030026, ClinGen allele CA345474654.